The following is an entry in ClinVar:

ClinVar aggregate classification (germline): Uncertain significance (1 of 4 stars; one submission).

Conditions:
Joubert syndrome 21 (JBTS21). Identifiers: MedGen C3810212, MONDO:0014288, OMIM 615636.

Allele frequency attached by ClinVar (database versions not stated): gnomAD 0.00001; ExAC 0.00001; gnomAD exomes below 0.00001; TOPMed 0.00001.
gnomAD v4.1: 4 of 1,613,932 alleles (0.00025%); highest among the groups gnomAD compares: African/African-American, 0.0027%; no homozygotes.

Submission:

Labcorp Genetics (formerly Invitae), Labcorp
Classification: Uncertain significance for Joubert syndrome 21. Last evaluated: 2021-04-15. Review status: criteria provided, single submitter. Criteria: Invitae Variant Classification Sherloc (09022015). Collection method: clinical testing. Allele origin: germline.
Comment: This variant is present in population databases (rs772586492, ExAC 0.01%). This sequence change falls in intron 24 of the CSPP1 gene. It does not directly change the encoded amino acid sequence of the CSPP1 protein, but it affects a nucleotide within the consensus splice site of the intron. This variant has not been reported in the literature in individuals with CSPP1-related conditions. In summary, the available evidence is currently insufficient to determine the role of this variant in disease. Therefore, it has been classified as a Variant of Uncertain Significance. Nucleotide substitutions within the consensus splice site are a relatively common cause of aberrant splicing (PMID: 17576681, 9536098). Algorithms developed to predict the effect of sequence changes on RNA splicing suggest that this variant may disrupt the consensus splice site, but this prediction has not been confirmed by published transcriptional studies.

Literature cited by the submitters: PubMed 17576681; PubMed 9536098.

NM_001382391.1(CSPP1):c.3109+5G>C

Genes: ARFGEF1 (ARF guanine nucleotide exchange factor 1; minus strand), CSPP1 (centrosome and spindle pole associated protein 1; plus strand). Cytogenetic location: 8q13.2.
Variant type: single nucleotide variant.
Coding change: c.3109+5G>C on transcript NM_001382391.1 (MANE Select); 5 bases into the intron after coding-DNA position 3109, G replaced by C.
Molecular consequence: intron variant. On other transcripts: 3 prime UTR variant (2).
Genome position (GRCh38, 1-based): chr8:67,175,441, G>C. VCF-style: chr8-67175441-G-C. GRCh37 (hg19) VCF-style: chr8-68087676-G-C.
Other names: c.*114C>G (NM_001413186.1, NM_001413187.1); c.2914+5G>C (NM_001363132.2); c.3028+5G>C (NM_001363131.2); c.2833+5G>C (NM_001363133.2); c.3175+5G>C (NM_001364869.1); c.3094+5G>C (NM_024790.7, NM_001438331.1); c.2941+5G>C (NM_001438330.1); c.2995+5G>C (NM_001364870.1); and 2 more.
Identifiers: ClinVar variation 1056827 (VCV001056827.5), dbSNP rs772586492, ClinGen allele CA4771026.